The following is an entry in ClinVar:

ClinVar aggregate classification (germline): Uncertain significance (1 of 4 stars; one submission).

Conditions:
Familial melanoma. Also called: Hereditary melanoma; Hereditary cutaneous melanoma. Identifiers: Orphanet 618, MedGen C1512419, MONDO:0018961.

Submission:

Labcorp Genetics (formerly Invitae), Labcorp
Classification: Uncertain significance for Familial melanoma. Last evaluated: 2023-08-16. Review status: criteria provided, single submitter. Criteria: Invitae Variant Classification Sherloc (09022015). Collection method: clinical testing. Allele origin: germline.
Comment: In summary, the available evidence is currently insufficient to determine the role of this variant in disease. Therefore, it has been classified as a Variant of Uncertain Significance. This variant has not been reported in the literature in individuals affected with CDK4-related conditions. This variant results in a copy number gain of the genomic region encompassing exon(s) 1-5 of the CDK4 gene. This region includes the initiator codon of the gene. This copy number gain extends beyond the assayed region for this gene and therefore may encompass additional genes. As the precise location of this event is unknown, it may be in tandem or it may be located elsewhere in the genome.

NC_000012.11:g.(?_58144419)_(58160824_?)dup

Genes: CDK4 (cyclin dependent kinase 4; minus strand), CYP27B1 (cytochrome P450 family 27 subfamily B member 1; minus strand), MARCHF9 (membrane associated ring-CH-type finger 9; plus strand). Cytogenetic location: 12q14.1.
Variant type: Duplication.
Identifiers: ClinVar variation 2422306 (VCV002422306.3).